The following is an entry in ClinVar:

ClinVar aggregate classification (germline): Uncertain significance (1 of 4 stars; one submission).

Conditions:
Intellectual disability, autosomal dominant 14 (CSS2). Also called: COFFIN-SIRIS SYNDROME 2. Identifiers: Orphanet 1465, MedGen C3553247, MONDO:0013819, OMIM 614607.

Submission:

Laboratorio de Genetica e Diagnostico Molecular, Hospital Israelita Albert Einstein
Classification: Uncertain significance for Intellectual disability, autosomal dominant 14. Last evaluated: 2024-10-02. Review status: criteria provided, single submitter. Criteria: ACMG Guidelines, 2015. Collection method: clinical testing. Allele origin: germline. Affected: yes.
Comment: ACMG classification criteria: PVS1 strong, PM2 supporting

NM_006015.6(ARID1A):c.6683_6684dup (p.Asp2229fs)

Gene: ARID1A (AT-rich interaction domain 1A; plus strand). Cytogenetic location: 1p36.11.
Variant type: Microsatellite.
Coding change: c.6683_6684dup on transcript NM_006015.6 (MANE Select); coding-DNA positions 6683 to 6684, 2 bases duplicated (TG; older notation c.6683_6684dupTG).
Protein change: p.Asp2229fs; shifts the reading frame from aspartic acid 2229.
Molecular consequence: frameshift variant.
Genome position (GRCh38, 1-based): chr1:26,780,581-26,780,582, TG duplicated; duplicating any 2 consecutive bases within chr1:26,780,578-26,780,582 gives the same sequence; the c. name uses the placement nearest the transcript's 3' end. VCF-style (leftmost placement, unchanged base first): chr1-26780577-A-AGT. GRCh37 (hg19) VCF-style: chr1-27107068-A-AGT.
Other names: c.6032_6033dup, p.Asp2012fs (NM_139135.4); short protein forms D2012fs, D2229fs.
Identifiers: ClinVar variation 3901070 (VCV003901070.1).